The following is an entry in ClinVar:

ClinVar aggregate classification (germline): Uncertain significance. Review status: criteria provided, multiple submitters, no conflicts (2 of 4 stars). 4 submissions from 4 submitters: Uncertain significance (4). Last evaluated 2025-12-20.

Conditions:
Fanconi anemia (FA). Also called: Fanconi's anemia. Identifiers: Orphanet 84, MedGen C0015625, MeSH D005199, MONDO:0019391.
Hereditary breast ovarian cancer syndrome. Also called: Hereditary breast and ovarian cancer syndrome (HBOC); Hereditary breast and ovarian cancer; Hereditary breast and/or ovarian cancer syndrome; Hereditary breast and ovarian cancer syndrome; Breast and ovarian cancer; BRCA1- and BRCA2-Associated Hereditary Breast and Ovarian Cancer. Identifiers: Orphanet 145, MedGen C0677776, MeSH D061325, MONDO:0003582. Disease mechanism: loss of function.

Allele frequency attached by ClinVar (database versions not stated): gnomAD exomes 0.00001; ExAC 0.00002; TOPMed 0.00003.
gnomAD v4.1: 17 of 1,614,124 alleles (0.0011%); highest among the groups gnomAD compares: East Asian, 0.036%; no homozygotes.

Submissions (4):

Labcorp Genetics (formerly Invitae), Labcorp
Classification: Uncertain significance for Fanconi anemia. Last evaluated: 2025-12-20. Review status: criteria provided, single submitter. Criteria: Invitae Variant Classification Sherloc (09022015). Collection method: clinical testing. Allele origin: germline.
Comment: This sequence change replaces proline, which is neutral and non-polar, with serine, which is neutral and polar, at codon 142 of the FANCM protein (p.Pro142Ser). This variant is present in population databases (rs771875070, gnomAD 0.01%). This variant has not been reported in the literature in individuals affected with FANCM-related conditions. ClinVar contains an entry for this variant (Variation ID: 567158). An algorithm developed to predict the effect of missense changes on protein structure and function (PolyPhen-2) suggests that this variant is likely to be disruptive. In summary, the available evidence is currently insufficient to determine the role of this variant in disease. Therefore, it has been classified as a Variant of Uncertain Significance.

Mendelics
Classification: Uncertain significance. Last evaluated: 2022-05-04. Review status: criteria provided, single submitter. Criteria: Mendelics Assertion Criteria 2019. Collection method: clinical testing. Allele origin: germline.

Cancer Genomics Group, Japanese Foundation For Cancer Research
Classification: Uncertain significance for Hereditary breast and ovarian cancer syndrome. Last evaluated: 2019-05-01. Review status: criteria provided, single submitter. Criteria: ACMG Guidelines, 2015. Collection method: research. Allele origin: germline. Affected: yes.

Breakthrough Genomics
Classification: Uncertain significance. Review status: criteria provided, single submitter. Criteria: ACMG Guidelines, 2015. Collection method: not provided. Allele origin: germline. Inheritance: Autosomal recessive inheritance. Affected: yes.

NM_020937.4(FANCM):c.424C>T (p.Pro142Ser)

Gene: FANCM (FA complementation group M; plus strand). Cytogenetic location: 14q21.2.
Variant type: single nucleotide variant.
Coding change: c.424C>T on transcript NM_020937.4 (MANE Select); coding-DNA position 424, C replaced by T.
Protein change: p.Pro142Ser; replaces proline 142 with serine.
Molecular consequence: missense variant.
Genome position (GRCh38, 1-based): chr14:45,136,455, C>T. VCF-style: chr14-45136455-C-T. GRCh37 (hg19) VCF-style: chr14-45605658-C-T.
Other names: c.424C>T, p.Pro142Ser (NM_001308133.2, NM_001308134.2); short protein forms P142S.
Identifiers: ClinVar variation 567158 (VCV000567158.13), dbSNP rs771875070, ClinGen allele CA7168760.